The following is an entry in ClinVar:

ClinVar aggregate classification (germline): Uncertain significance. Review status: criteria provided, multiple submitters, no conflicts (2 of 4 stars). 2 submissions from 2 submitters: Uncertain significance (2). Last evaluated 2024-11-26.

Conditions:
Chédiak-Higashi syndrome (CHS). Also called: Chediak-Higashi Syndrome. Identifiers: Orphanet 167, MedGen C0007965, MONDO:0008963, OMIM 214500.
Inborn genetic diseases. Identifiers: MedGen C0950123, MeSH D030342.

Allele frequency attached by ClinVar (database versions not stated): gnomAD exomes below 0.00001.
gnomAD v4.1: 1 of 1,613,650 alleles (0.000062%); highest among the groups gnomAD compares: Admixed American, 0.0017%; no homozygotes.

Submissions (2):

Ambry Genetics
Classification: Uncertain significance for Inborn genetic diseases. Last evaluated: 2024-11-26. Review status: criteria provided, single submitter. Criteria: Ambry Variant Classification Scheme 2023. Collection method: clinical testing. Allele origin: germline.

Labcorp Genetics (formerly Invitae), Labcorp
Classification: Uncertain significance for Chédiak-Higashi syndrome. Last evaluated: 2021-11-22. Review status: criteria provided, single submitter. Criteria: Invitae Variant Classification Sherloc (09022015). Collection method: clinical testing. Allele origin: germline.
Comment: In summary, the available evidence is currently insufficient to determine the role of this variant in disease. Therefore, it has been classified as a Variant of Uncertain Significance. Algorithms developed to predict the effect of missense changes on protein structure and function are either unavailable or do not agree on the potential impact of this missense change (SIFT: "Deleterious"; PolyPhen-2: "Probably Damaging"; Align-GVGD: "Class C0"). This variant has not been reported in the literature in individuals affected with LYST-related conditions. This variant is not present in population databases (gnomAD no frequency). This sequence change replaces cysteine, which is neutral and slightly polar, with tyrosine, which is neutral and polar, at codon 2824 of the LYST protein (p.Cys2824Tyr).

NM_000081.4(LYST):c.8471G>A (p.Cys2824Tyr)

Gene: LYST (lysosomal trafficking regulator; minus strand). Cytogenetic location: 1q42.3.
Variant type: single nucleotide variant.
Coding change: c.8471G>A on transcript NM_000081.4 (MANE Select); coding-DNA position 8471, G replaced by A.
Protein change: p.Cys2824Tyr; replaces cysteine 2824 with tyrosine.
Molecular consequence: missense variant.
Genome position (GRCh38, 1-based): chr1:235,734,547, C>T on the plus strand (G>A on the coding strand, the complement: LYST is on the minus strand). VCF-style: chr1-235734547-C-T. GRCh37 (hg19) VCF-style: chr1-235897847-C-T.
Other names: c.8471G>A, p.Cys2824Tyr (NM_001301365.1); c.8471G>A (NM_000081.2); short protein forms C2824Y.
Identifiers: ClinVar variation 1440555 (VCV001440555.5), dbSNP rs1558166706, ClinGen allele CA344920935.